The following is an entry in ClinVar:

NM_000038.6(APC):c.4948A>G (p.Asn1650Asp)

Gene: APC (APC regulator of Wnt signaling pathway; plus strand). Cytogenetic location: 5q22.2.
Variant type: single nucleotide variant.
Coding change: c.4948A>G on transcript NM_000038.6 (MANE Select); coding-DNA position 4948, A replaced by G.
Protein change: p.Asn1650Asp; replaces asparagine 1650 with aspartic acid.
Molecular consequence: missense variant. On other transcripts: non-coding transcript variant (2).
Genome position (GRCh38, 1-based): chr5:112,840,542, A>G. VCF-style: chr5-112840542-A-G. GRCh37 (hg19) VCF-style: chr5-112176239-A-G.
Other names: c.4948A>G, p.Asn1650Asp (NM_001127510.3, NM_001354895.2, NM_001407450.1); c.4894A>G, p.Asn1632Asp (NM_001127511.3); c.5002A>G, p.Asn1668Asp (NM_001354896.2, NM_001407447.1, NM_001407448.1 and 1 more transcripts); c.4978A>G, p.Asn1660Asp (NM_001354897.2); c.4873A>G, p.Asn1625Asp (NM_001354898.2); c.4864A>G, p.Asn1622Asp (NM_001354899.2); c.4825A>G, p.Asn1609Asp (NM_001354900.2); c.4771A>G, p.Asn1591Asp (NM_001354901.2, NM_001407453.1); and 11 more; short protein forms N1266D, N1367D, N1490D, N1521D, N1524D, N1549D, N1559D, N1567D.
Identifiers: ClinVar variation 4530712 (VCV004530712.1).
Genomic context (GRCh38, chr5:112,840,542, plus strand): 5'-GTTAGTTTTACACCGGGGGATGATATGCCACGGGTGTATTGTGTTGAAGGGACACCTATA[A>G]ACTTTTCCACAGCTACATCTCTAAGTGATCTAACAATCGAATCCCCTCCAAATGAGTTAG-3'
Protein context (NP_000029.2, residues 1640-1660): RVYCVEGTPI[Asn1650Asp]FSTATSLSDL

ClinVar aggregate classification (germline): Uncertain significance (1 of 4 stars; one submission).

gnomAD v4.1: 2 of 1,614,056 alleles (0.00012%); highest among the groups gnomAD compares: East Asian, 0.0022%; no homozygotes.

Submission:

GeneDx
Classification: Uncertain significance. Last evaluated: 2025-05-21. Review status: criteria provided, single submitter. Criteria: GeneDx Variant Classification Process June 2021. Collection method: clinical testing. Allele origin: germline. Affected: yes.
Comment: Not observed at significant frequency in large population cohorts (gnomAD); In silico analysis supports that this missense variant has a deleterious effect on protein structure/function; Has not been previously published as pathogenic or benign to our knowledge; This variant is associated with the following publications: (PMID: 18199528)